The following is an entry in ClinVar:

NM_022575.4(VPS16):c.1721-2A>G

Genes: PTPRA (protein tyrosine phosphatase receptor type A; plus strand), VPS16 (VPS16 core subunit of CORVET and HOPS complexes; plus strand). Cytogenetic location: 20p13.
Variant type: single nucleotide variant.
Coding change: c.1721-2A>G on transcript NM_022575.4 (MANE Select); the canonical splice acceptor site of the intron before coding-DNA position 1721, A replaced by G.
Molecular consequence: splice acceptor variant.
Genome position (GRCh38, 1-based): chr20:2,864,363, A>G. VCF-style: chr20-2864363-A-G. GRCh37 (hg19) VCF-style: chr20-2845009-A-G.
Other names: c.1289-2A>G (NM_080413.3); c.-582-2A>G (NM_002836.4).
Identifiers: ClinVar variation 5006365 (VCV005006365.2).

ClinVar aggregate classification (germline): Uncertain significance (1 of 4 stars; one submission).

Conditions:
Dystonia 30. Identifiers: MedGen C5543312, MONDO:0025691, OMIM 619291.

Submission:

Juno Genomics, Hangzhou Juno Genomics, Inc
Classification: Uncertain significance for Dystonia 30. Review status: criteria provided, single submitter. Criteria: ACMG Guidelines, 2015. Collection method: clinical testing. Allele origin: germline.
Comment: Absent from controls (or at extremely low frequency if recessive) in Genome Aggregation Database.;Multiple lines of computational evidence support a deleterious effect on the gene or gene product.